The following is an entry in ClinVar:

NM_001005273.3(CHD3):c.4976A>G (p.Gln1659Arg)

Gene: CHD3 (chromodomain helicase DNA binding protein 3; plus strand). Cytogenetic location: 17p13.1.
Variant type: single nucleotide variant.
Coding change: c.4976A>G on transcript NM_001005273.3 (MANE Select); coding-DNA position 4976, A replaced by G.
Protein change: p.Gln1659Arg; replaces glutamine 1659 with arginine.
Molecular consequence: missense variant. On other transcripts: intron variant (1).
Genome position (GRCh38, 1-based): chr17:7,907,652, A>G. VCF-style: chr17-7907652-A-G. GRCh37 (hg19) VCF-style: chr17-7810970-A-G.
Other names: c.5153A>G, p.Gln1718Arg (NM_001005271.3); c.4924+164A>G (NM_005852.4); short protein forms Q1659R, Q1718R.
Identifiers: ClinVar variation 1028914 (VCV001028914.5), dbSNP rs200096964, ClinGen allele CA8363539.
Genomic context (GRCh38, chr17:7,907,652, plus strand): 5'-CTCCCACAGCCACAGAGTCGACGCCAGGAGAAAGGGGGGAGGAGAAGCCGTTGGATGGAC[A>G]GGAACACAGGGAGAGGCCGGAGGGGGAAACAGGGGATTTGGGCAAGAGAGGTAATGGGTG-3'
Protein context (NP_001005273.1, residues 1649-1669): ERGEEKPLDG[Gln1659Arg]EHRERPEGET

ClinVar aggregate classification (germline): Uncertain significance. Review status: criteria provided, multiple submitters, no conflicts (2 of 4 stars). 3 submissions from 3 submitters: Uncertain significance (3). Last evaluated 2025-04-28.

Conditions:
Inborn genetic diseases. Identifiers: MedGen C0950123, MeSH D030342.
Snijders Blok-Campeau syndrome. Also called: INTELLECTUAL DEVELOPMENTAL DISORDER WITH MACROCEPHALY, SPEECH DELAY, AND DYSMORPHIC FACIES. Identifiers: Orphanet 599082, MedGen C4748701, MONDO:0032600, OMIM 618205.
CHD3-related disorder. Also called: CHD3-related condition.

Allele frequency attached by ClinVar (database versions not stated): gnomAD exomes 0.00002; ExAC 0.00003; gnomAD 0.00008; 1000 Genomes Project 30x 0.00016; 1000 Genomes Project 0.00020; TOPMed 0.00021.
gnomAD v4.1: 27 of 1,535,080 alleles (0.0018%); highest among the groups gnomAD compares: Admixed American, 0.052%; no homozygotes.

Submissions (3):

PreventionGenetics, part of Exact Sciences
Classification: Uncertain significance for CHD3-related condition. Last evaluated: 2025-04-28. Review status: criteria provided, single submitter. Criteria: ACMG Guidelines, 2015. Collection method: clinical testing. Allele origin: germline.
Comment: The CHD3 c.5153A>G variant is predicted to result in the amino acid substitution p.Gln1718Arg. To our knowledge, this variant has not been reported in the literature. This variant is reported in 0.014% of alleles in individuals of Latino descent in gnomAD. At this time, the clinical significance of this variant is uncertain due to the absence of conclusive functional and genetic evidence.

Ambry Genetics
Classification: Uncertain significance for Inborn genetic diseases. Last evaluated: 2021-09-17. Review status: criteria provided, single submitter. Criteria: Ambry Variant Classification Scheme 2023. Collection method: clinical testing. Allele origin: germline.

Baylor Genetics
Classification: Uncertain significance for Snijders Blok-Campeau syndrome. Last evaluated: 2019-12-06. Review status: criteria provided, single submitter. Criteria: ACMG Guidelines, 2015. Collection method: clinical testing. Allele origin: unknown. Affected: yes.
Comment: This variant was determined to be of uncertain significance according to ACMG Guidelines, 2015 [PMID:25741868].